The following is an entry in ClinVar:

NM_001035.3(RYR2):c.5594A>G (p.Glu1865Gly)

Gene: RYR2 (ryanodine receptor 2; plus strand). Cytogenetic location: 1q43.
Variant type: single nucleotide variant.
Coding change: c.5594A>G on transcript NM_001035.3 (MANE Select); coding-DNA position 5594, A replaced by G.
Protein change: p.Glu1865Gly; replaces glutamic acid 1865 with glycine.
Molecular consequence: missense variant.
Genome position (GRCh38, 1-based): chr1:237,614,722, A>G. VCF-style: chr1-237614722-A-G. GRCh37 (hg19) VCF-style: chr1-237778022-A-G.
Other names: short protein forms E1865G.
Identifiers: ClinVar variation 1416847 (VCV001416847.10), dbSNP rs2148597888, ClinGen allele CA345405370.

ClinVar aggregate classification (germline): Uncertain significance. Review status: criteria provided, multiple submitters, no conflicts (2 of 4 stars). 2 submissions from 2 submitters: Uncertain significance (2). Last evaluated 2024-08-29.

Conditions:
Catecholaminergic polymorphic ventricular tachycardia (CVPT). Also called: Catecholamine-induced polymorphic ventricular tachycardia. Identifiers: Orphanet 3286, MedGen C5574922, MONDO:0017990.
Catecholaminergic polymorphic ventricular tachycardia 1. Also called: RYR2-Related Catecholaminergic Polymorphic Ventricular Tachycardia; VENTRICULAR TACHYCARDIA, STRESS-INDUCED POLYMORPHIC 1; VENTRICULAR TACHYCARDIA, CATECHOLAMINERGIC POLYMORPHIC, 1, WITH OR WITHOUT ATRIAL DYSFUNCTION AND/OR DILATED CARDIOMYOPATHY. Identifiers: Orphanet 3286, MedGen C1631597, MONDO:0011484, OMIM 604772.

gnomAD v4.1: 3 of 1,614,008 alleles (0.00019%); highest among the groups gnomAD compares: Non-Finnish European, 0.00025%; no homozygotes.

Submissions (2):

Labcorp Genetics (formerly Invitae), Labcorp
Classification: Uncertain significance for Catecholaminergic polymorphic ventricular tachycardia 1. Last evaluated: 2024-08-29. Review status: criteria provided, single submitter. Criteria: Invitae Variant Classification Sherloc (09022015). Collection method: clinical testing. Allele origin: germline.
Comment: This sequence change replaces glutamic acid, which is acidic and polar, with glycine, which is neutral and non-polar, at codon 1865 of the RYR2 protein (p.Glu1865Gly). This variant is not present in population databases (gnomAD no frequency). This variant has not been reported in the literature in individuals affected with RYR2-related conditions. ClinVar contains an entry for this variant (Variation ID: 1416847). Invitae Evidence Modeling of protein sequence and biophysical properties (such as structural, functional, and spatial information, amino acid conservation, physicochemical variation, residue mobility, and thermodynamic stability) indicates that this missense variant is not expected to disrupt RYR2 protein function with a negative predictive value of 95%. In summary, the available evidence is currently insufficient to determine the role of this variant in disease. Therefore, it has been classified as a Variant of Uncertain Significance.

All of Us Research Program, National Institutes of Health
Classification: Uncertain significance for Catecholaminergic polymorphic ventricular tachycardia. Last evaluated: 2024-02-05. Review status: criteria provided, single submitter. Criteria: ACMG Guidelines, 2015. Collection method: clinical testing. Allele origin: germline. Inheritance: Autosomal dominant inheritance. Observed: 1 variant allele, 1 heterozygote.
Comment: This missense variant replaces glutamic acid with glycine at codon 1865 of the RYR2 protein. Computational prediction suggests that this variant may not impact protein structure and function (internally defined REVEL score threshold <= 0.5, PMID: 27666373). To our knowledge, functional studies have not been reported for this variant. This variant has not been reported in individuals affected with RYR2-related disorders in the literature. This variant has not been identified in the general population by the Genome Aggregation Database (gnomAD). The available evidence is insufficient to determine the role of this variant in disease conclusively. Therefore, this variant is classified as a Variant of Uncertain Significance.

This study involves interpretation of variants in research participants for the purpose of population health screening. Participant phenotype was not available at the time of variant classification. Additional details can be found in publication PMID: 35346344, PMCID: PMC8962531